The following is an entry in ClinVar:

NM_018979.4(WNK1):c.5513C>T (p.Ser1838Phe)

Gene: WNK1 (WNK lysine deficient protein kinase 1; plus strand). Cytogenetic location: 12p13.33.
Variant type: single nucleotide variant.
Coding change: c.5513C>T on transcript NM_018979.4 (MANE Select); coding-DNA position 5513, C replaced by T.
Protein change: p.Ser1838Phe; replaces serine 1838 with phenylalanine.
Molecular consequence: missense variant.
Genome position (GRCh38, 1-based): chr12:894,565, C>T. VCF-style: chr12-894565-C-T. GRCh37 (hg19) VCF-style: chr12-1003731-C-T.
Other names: c.6293C>T, p.Ser2098Phe (NM_001184985.2); c.4769C>T, p.Ser1590Phe (NM_014823.3); c.6269C>T, p.Ser2090Phe (NM_213655.5); short protein forms S2090F, S1590F, S1838F, S2098F.
Identifiers: ClinVar variation 883829 (VCV000883829.12), dbSNP rs747791200, ClinGen allele CA6383224.

ClinVar aggregate classification (germline): Conflicting classifications of pathogenicity. Review status: criteria provided, conflicting classifications (1 of 4 stars). 3 submissions from 3 submitters: Uncertain significance (1); Benign (1); Likely benign (1). Last evaluated 2025-06-03.

Conditions:
Pseudohypoaldosteronism type 2C (PHA2C). Also called: Pseudohypoaldosteronism Type IIC. Identifiers: Orphanet 757, Orphanet 88940, MedGen C1840391, MONDO:0013778, OMIM 614492.
Neuropathy, hereditary sensory and autonomic, type 2A (HSAN2A). Also called: ACROOSTEOLYSIS, GIACCAI TYPE; ACROOSTEOLYSIS, NEUROGENIC; MORVAN DISEASE; NEUROPATHY, CONGENITAL SENSORY; NEUROPATHY, HEREDITARY SENSORY RADICULAR, AUTOSOMAL RECESSIVE; NEUROPATHY, HEREDITARY SENSORY, TYPE IIA. Identifiers: Orphanet 970, MedGen C2752089, MONDO:0024309, OMIM 201300.
WNK1-related disorder. Also called: WNK1-related condition.

Allele frequency attached by ClinVar (database versions not stated): gnomAD exomes 0.00002 and 0.00010; gnomAD 0.00005 and 0.00006; ExAC 0.00007; TOPMed 0.00011.
gnomAD v4.1: 34 of 1,613,668 alleles (0.0021%); highest among the groups gnomAD compares: East Asian, 0.071%; no homozygotes.

Submissions (3):

Labcorp Genetics (formerly Invitae), Labcorp
Classification: Likely benign for Neuropathy, hereditary sensory and autonomic, type 2A; Pseudohypoaldosteronism type 2C. Last evaluated: 2025-06-03. Review status: criteria provided, single submitter. Criteria: Invitae Variant Classification Sherloc (09022015). Collection method: clinical testing. Allele origin: germline.

PreventionGenetics, part of Exact Sciences
Classification: Uncertain significance for WNK1-related condition. Last evaluated: 2022-10-04. Review status: criteria provided, single submitter. Criteria: ACMG Guidelines, 2015. Collection method: clinical testing. Allele origin: germline.
Comment: The WNK1 c.5513C>T variant is predicted to result in the amino acid substitution p.Ser1838Phe. To our knowledge, this variant has not been reported in the literature. This variant is reported in 0.14% of alleles in individuals of East Asian descent in gnomAD. Although we suspect that this variant may be benign, at this time, the clinical significance of this variant is uncertain due to the absence of conclusive functional and genetic evidence.

Illumina Laboratory Services, Illumina
Classification: Benign for Pseudohypoaldosteronism type 2C. Last evaluated: 2018-01-13. Review status: criteria provided, single submitter. Criteria: ICSL Variant Classification Criteria 13 December 2019. Collection method: clinical testing. Allele origin: germline.
Comment: This variant was observed in the ICSL laboratory as part of a predisposition screen in an ostensibly healthy population. It had not been previously curated by ICSL or reported in the Human Gene Mutation Database (HGMD: prior to June 1st, 2018), and was therefore a candidate for classification through an automated scoring system. Utilizing variant allele frequency, disease prevalence and penetrance estimates, and inheritance mode, an automated score was calculated to assess if this variant is too frequent to cause the disease. Based on the score and internal cut-off values, a variant classified as benign is not then subjected to further curation. The score for this variant resulted in a classification of benign for this disease.